The following is an entry in ClinVar:

ClinVar aggregate classification (germline): Uncertain significance (1 of 4 stars; one submission).

Conditions:
Ataxia-telangiectasia syndrome (AT). Also called: ATAXIA-TELANGIECTASIA, COMPLEMENTATION GROUP A; ATAXIA-TELANGIECTASIA, FRESNO VARIANT; Ataxia-telangiectasia, complementation group D; AT, COMPLEMENTATION GROUP C; Cerebello-oculocutaneous telangiectasia; Immunodeficiency with ataxia telangiectasia. Identifiers: Orphanet 100, MedGen C0004135, MONDO:0008840, OMIM 208900.

Submission:

Labcorp Genetics (formerly Invitae), Labcorp
Classification: Uncertain significance for Ataxia-telangiectasia syndrome. Last evaluated: 2020-05-11. Review status: criteria provided, single submitter. Criteria: Invitae Variant Classification Sherloc (09022015). Collection method: clinical testing. Allele origin: germline.
Comment: In summary, the available evidence is currently insufficient to determine the role of this variant in disease. Therefore, it has been classified as a Variant of Uncertain Significance. Algorithms developed to predict the effect of missense changes on protein structure and function (SIFT, PolyPhen-2, Align-GVGD) all suggest that this variant is likely to be disruptive, but these predictions have not been confirmed by published functional studies and their clinical significance is uncertain. This variant has not been reported in the literature in individuals with ATM-related conditions. This variant is not present in population databases (ExAC no frequency). This sequence change replaces asparagine with threonine at codon 1377 of the ATM protein (p.Asn1377Thr). The asparagine residue is highly conserved and there is a small physicochemical difference between asparagine and threonine.

NM_000051.4(ATM):c.4130A>C (p.Asn1377Thr)

Gene: ATM (ATM serine/threonine kinase; plus strand). Cytogenetic location: 11q22.3.
Variant type: single nucleotide variant.
Coding change: c.4130A>C on transcript NM_000051.4 (MANE Select); coding-DNA position 4130, A replaced by C.
Protein change: p.Asn1377Thr; replaces asparagine 1377 with threonine.
Molecular consequence: missense variant.
Genome position (GRCh38, 1-based): chr11:108,288,997, A>C. VCF-style: chr11-108288997-A-C. GRCh37 (hg19) VCF-style: chr11-108159724-A-C.
Other names: c.4130A>C, p.Asn1377Thr (NM_001351834.2); short protein forms N1377T.
Identifiers: ClinVar variation 1039687 (VCV001039687.8), dbSNP rs1565454896, ClinGen allele CA382529849.
Genomic context (GRCh38, chr11:108,288,997, plus strand): 5'-TTTAAAACGATGACTGTATTTTTTCCCTTAACTCTGTTAGGGATTTGGATCCTGCTCCTA[A>C]TCCACCTCATTTTCCATCGCATGTGATTAAAGCAACATTTGCCTATATCAGCAATTGTCA-3'
Protein context (NP_000042.3, residues 1367-1387): DFSGDLDPAP[Asn1377Thr]PPHFPSHVIK